The following is an entry in ClinVar:

ClinVar aggregate classification (germline): Uncertain significance. Review status: criteria provided, multiple submitters, no conflicts (2 of 4 stars). 2 submissions from 2 submitters: Uncertain significance (2). Last evaluated 2023-08-15.

Allele frequency attached by ClinVar (database versions not stated): gnomAD 0.00001; gnomAD exomes 0.00001.
gnomAD v4.1: 13 of 1,551,498 alleles (0.00084%); highest among the groups gnomAD compares: East Asian, 0.024%; no homozygotes.

Submissions (2):

Blueprint Genetics
Classification: Uncertain significance. Last evaluated: 2023-08-15. Review status: criteria provided, single submitter. Criteria: ACMG Guidelines, 2015. Collection method: clinical testing. Allele origin: germline.

Labcorp Genetics (formerly Invitae), Labcorp
Classification: Uncertain significance. Last evaluated: 2022-10-17. Review status: criteria provided, single submitter. Criteria: Invitae Variant Classification Sherloc (09022015). Collection method: clinical testing. Allele origin: germline.
Comment: Advanced modeling of protein sequence and biophysical properties (such as structural, functional, and spatial information, amino acid conservation, physicochemical variation, residue mobility, and thermodynamic stability) performed at Invitae indicates that this missense variant is not expected to disrupt CDHR1 protein function. In summary, the available evidence is currently insufficient to determine the role of this variant in disease. Therefore, it has been classified as a Variant of Uncertain Significance. ClinVar contains an entry for this variant (Variation ID: 958720). This missense change has been observed in individual(s) with cone dystrophy (PMID: 26957898). This variant is present in population databases (no rsID available, gnomAD 0.02%). This sequence change replaces asparagine, which is neutral and polar, with serine, which is neutral and polar, at codon 129 of the CDHR1 protein (p.Asn129Ser).

Literature cited by the submitters: PubMed 26957898 (cited by Labcorp Genetics (formerly Invitae), Labcorp).

NM_033100.4(CDHR1):c.386A>G (p.Asn129Ser)

Gene: CDHR1 (cadherin related family member 1; plus strand). Cytogenetic location: 10q23.1.
Variant type: single nucleotide variant.
Coding change: c.386A>G on transcript NM_033100.4 (MANE Select); coding-DNA position 386, A replaced by G.
Protein change: p.Asn129Ser; replaces asparagine 129 with serine.
Molecular consequence: missense variant.
Genome position (GRCh38, 1-based): chr10:84,199,069, A>G. VCF-style: chr10-84199069-A-G. GRCh37 (hg19) VCF-style: chr10-85958825-A-G.
Other names: c.386A>G, p.Asn129Ser (NM_001171971.3); short protein forms N129S.
Identifiers: ClinVar variation 958720 (VCV000958720.8), dbSNP rs1424495418, ClinGen allele CA377371019.